The following is an entry in ClinVar:

NM_000404.4(GLB1):c.1369C>T (p.Arg457Ter)

Gene: GLB1 (galactosidase beta 1; minus strand). Cytogenetic location: 3p22.3.
Variant type: single nucleotide variant.
Coding change: c.1369C>T on transcript NM_000404.4 (MANE Select); coding-DNA position 1369, C replaced by T.
Protein change: p.Arg457Ter; replaces arginine 457 with a stop codon.
Molecular consequence: nonsense.
Genome position (GRCh38, 1-based): chr3:33,016,819, G>A on the plus strand (C>T on the coding strand, the complement: GLB1 is on the minus strand). VCF-style: chr3-33016819-G-A. GRCh37 (hg19) VCF-style: chr3-33058311-G-A.
Other names: c.1279C>T, p.Arg427Ter (NM_001079811.3); c.976C>T, p.Arg326Ter (NM_001135602.3); c.1513C>T, p.Arg505Ter (NM_001317040.2); c.1369C>T, p.Arg457Ter (NM_001393580.1); short protein forms R457*, R427*, R326*, R505*.
Identifiers: ClinVar variation 924 (VCV000000924.51), dbSNP rs72555359, ClinGen allele CA114630.

ClinVar aggregate classification (germline): Pathogenic. Review status: criteria provided, multiple submitters, no conflicts (2 of 4 stars). 12 submissions from 11 submitters: Pathogenic (10). 2 of the submissions do not count toward it. Last evaluated 2024-10-29.

Conditions:
GLB1-related disorder. Also called: GLB1-related disorders. Identifiers: MedGen CN377807.
GM1 gangliosidosis. Identifiers: Orphanet 354, MedGen C0085131, MONDO:0018149.
Mucopolysaccharidosis, MPS-IV-B (MPS4B). Also called: Mucopolysaccharidosis type IVB (Morquio); MPS IVB; MORQUIO SYNDROME B; Mucopolysaccharidosis Type IVB (Morquio B Disease); Mucopolysaccharidosis type 4B; Mucopolysaccharidosis Type IVB. Identifiers: Orphanet 309310, Orphanet 582, MedGen C0086652, MONDO:0009660, OMIM 253010.
Infantile GM1 gangliosidosis. Also called: GM1-gangliosidosis, type I; Gangliosidosis, generalized GM1, infantile form; GLB1 deficiency; Gangliosidosis, Generalized GM1, Type 1; GM1 gangliosidosis type 1. Identifiers: Orphanet 354, Orphanet 79255, MedGen C0268271, MONDO:0009260, OMIM 230500.
GM1 gangliosidosis type 3. Also called: GM1-GANGLIOSIDOSIS, TYPE III; GANGLIOSIDOSIS, GENERALIZED GM1, ADULT TYPE; GANGLIOSIDOSIS, GENERALIZED GM1, CHRONIC TYPE; GANGLIOSIDOSIS, GENERALIZED GM1, TYPE III; Beta-galactosidase deficiency; Adult GM1 gangliosidosis. Identifiers: Orphanet 79257, MedGen C0268273, MONDO:0009262, OMIM 230650.
GM1 gangliosidosis type 2. Also called: GM1-GANGLIOSIDOSIS, TYPE II; GANGLIOSIDOSIS, GENERALIZED GM1, JUVENILE TYPE; GANGLIOSIDOSIS, GENERALIZED GM1, TYPE II; Juvenile GM>1< gangliosidosis; Gangliosidosis, Generalized GM1, Type 2. Identifiers: Orphanet 354, Orphanet 79256, MedGen C0268272, MONDO:0009261, OMIM 230600.

Allele frequency attached by ClinVar (database versions not stated): ExAC 0.00001; gnomAD 0.00001; gnomAD exomes 0.00002; TOPMed 0.00002.
gnomAD v4.1: 13 of 1,613,910 alleles (0.00081%); highest among the groups gnomAD compares: East Asian, 0.0022%; no homozygotes.

Submissions (12):

Natera, Inc.
Classification: Pathogenic for Mucopolysaccharidosis, MPS-IV-B. Last evaluated: 2024-10-29. Review status: criteria provided, single submitter. Criteria: Natera Variant Classification Schema (03/2026). Collection method: clinical testing. Allele origin: germline.
Comment: The c.1369C>T variant in GLB1 is a nonsense variant predicted to introduce a stop codon at amino acid 457. This variant is expected to result in nonsense mediated decay, truncation, or a dysfunctional protein product. This variant is rare in the general population with a frequency below the threshold expected for the associated phenotype(s). This variant has been observed in one or more individuals affected with the associated recessive disease, as either homozygous or compound heterozygous with a second variant (PMID: 33038107). Given the available evidence, this variant is classified as Pathogenic.

Blueprint Genetics
Classification: Pathogenic for GLB1-related disorders. Last evaluated: 2024-06-11. Review status: criteria provided, single submitter. Criteria: ACMG Guidelines, 2015. Collection method: clinical testing. Allele origin: germline. Affected: yes. Observed: 2 variant alleles.

Labcorp Genetics (formerly Invitae), Labcorp
Classification: Pathogenic for Mucopolysaccharidosis, MPS-IV-B; GM1 gangliosidosis. Last evaluated: 2024-06-11. Review status: criteria provided, single submitter. Criteria: Invitae Variant Classification Sherloc (09022015). Collection method: clinical testing. Allele origin: germline.
Comment: This sequence change creates a premature translational stop signal (p.Arg457*) in the GLB1 gene. It is expected to result in an absent or disrupted protein product. Loss-of-function variants in GLB1 are known to be pathogenic (PMID: 18524657). This variant is present in population databases (rs72555359, gnomAD 0.006%). This premature translational stop signal has been observed in individuals with GM1 gangliosidosis (PMID: 1909089, 25936995, 28976722, 30548430). ClinVar contains an entry for this variant (Variation ID: 924). Algorithms developed to predict the effect of sequence changes on RNA splicing suggest that this variant may disrupt the consensus splice site. For these reasons, this variant has been classified as Pathogenic.

Neuberg Centre For Genomic Medicine, NCGM
Classification: Pathogenic for Infantile GM1 gangliosidosis. Last evaluated: 2023-07-22. Review status: criteria provided, single submitter. Criteria: ACMG Guidelines, 2015. Collection method: clinical testing. Allele origin: germline. Inheritance: Autosomal recessive inheritance. Affected: yes.
Comment: The observed stop gained c.1369C>Tp.Arg457Ter variant in GLB1 gene has been reported previously in homozygous and compound heterozygous states in multiple individuals affected with GM1 gangliosidosis Fu F, et al., 2018; Bidchol AM, et al., 2015; Santamaria R, et al., 2007. The c.1369C>T variant is present with allele frequency of 0.002% in gnomAD Exomes. This variant has been submitted to the ClinVar database as Pathogenic multiple submissions. Computational evidence MutationTaster - Disease causing predicts damaging effect on protein structure and function for this variant.The nucleotide change c.1369C>T in GLB1 is predicted as conserved by GERP++ and PhyloP across 100 vertebrates. This sequence change creates a premature translational stop signal p.Arg457Ter in the GLB1 gene. This variant is predicted to cause loss of normal protein function through protein truncation. Loss of function variants in GLB1 gene have been previously reported to be disease causing Brunetti-Pierri N, Scaglia F., 2008. For these reasons, this variant has been classified as Pathogenic.

CeGaT Center for Human Genetics Tuebingen
Classification: Pathogenic. Last evaluated: 2023-03-01. Review status: criteria provided, single submitter. Criteria: CeGaT Center For Human Genetics Tuebingen Variant Classification Criteria Version 2. Collection method: clinical testing. Allele origin: germline. Affected: yes. Observed: 1 variant allele.
Comment: GLB1: PM3:Strong, PVS1:Strong, PM2, PP4

Genome-Nilou Lab
Classification: Pathogenic for Infantile GM1 gangliosidosis. Last evaluated: 2021-07-22. Review status: criteria provided, single submitter. Criteria: ACMG Guidelines, 2015. Collection method: clinical testing. Allele origin: germline. Affected: no.

Revvity Omics, Revvity
Classification: Pathogenic. Last evaluated: 2020-09-05. Review status: criteria provided, single submitter. Criteria: ACMG Guidelines, 2015. Collection method: clinical testing. Allele origin: germline.

Women's Health and Genetics/Laboratory Corporation of America, LabCorp
Classification: Pathogenic for GM1 gangliosidosis. Last evaluated: 2020-01-06. Review status: criteria provided, single submitter. Criteria: LabCorp Variant Classification Summary - May 2015. Collection method: clinical testing. Allele origin: germline.
Comment: Variant summary: GLB1 c.1369C>T (p.Arg457X) results in a premature termination codon, predicted to cause a truncation of the encoded protein or absence of the protein due to nonsense mediated decay, which are commonly known mechanisms for disease. The variant allele was found at a frequency of 1.6e-05 in 249532 control chromosomes (gnomAD). c.1369C>T has been reported in the literature in individuals affected with GM1 gangliosidosis (e.g. Nishimoto_1991, Santamaria_2007, Matalonga_2015). These data indicate that the variant is likely to be associated with disease. Cells expressing the variant were shown to have indetectable levels of acid beta-galactosidase enzymatic activity (Nishimoto_1991). One Clin Var submitter (evaluation after 2014 ) cited the variant as pathogenic. Based on the evidence outlined above, the variant was classified as pathogenic.

Kasturba Medical College, Manipal, Kasturba Medical College, Manipal, Manipal Academy of Higher Education, Manipal, India
Classification: Pathogenic for Infantile GM1 gangliosidosis. Review status: criteria provided, single submitter. Criteria: ACMG Guidelines, 2015. Collection method: clinical testing. Allele origin: biparental. Affected: yes.

Neuberg Centre For Genomic Medicine, NCGM
Classification: Pathogenic for GM1 gangliosidosis type 2. Review status: criteria provided, single submitter. Criteria: ACMG Guidelines, 2015. Collection method: clinical testing. Allele origin: germline. Inheritance: Autosomal recessive inheritance. Affected: yes.
Comment: The stop gained c.1369C>T (p.Arg457Ter) variant in GLB1 gene has been reported previously in homozygous and compound heterozygous states in multiple individuals affected with GM1 gangliosidosis (Fu et al., 2018; Bidchol et al., 2015; Santamaria et al., 2007). Experimental studies showed that cells expressing the variant had indetectable levels of acid beta-galactosidase enzymatic activity (Nishimoto, 1991). The c.1369C>T variant is present with allele frequency of 0.002% in gnomAD Exomes. This variant has been submitted to the ClinVar database as Pathogenic (multiple submissions). Computational evidence (MutationTaster - Disease causing) predicts damaging effect on protein structure and function for this variant. The nucleotide change c.1369C>T in GLB1 is predicted as conserved by GERP++ and PhyloP across 100 vertebrates. This sequence change creates a premature translational stop signal (p.Arg457Ter) in the GLB1 gene. This variant is predicted to cause loss of normal protein function through protein truncation. Loss of function variants in GLB1 gene have been previously reported to be disease causing (Brunetti-Pierri and Scaglia, 2008). For these reasons, this variant has been classified as Pathogenic.

Counsyl
Classification: Pathogenic for Infantile GM1 gangliosidosis; GM1 gangliosidosis type 2; GM1 gangliosidosis type 3; Mucopolysaccharidosis, MPS-IV-B. Last evaluated: 2017-05-19. Review status: no assertion criteria provided. Collection method: clinical testing. Allele origin: unknown. Not counted in ClinVar's aggregate classification.

OMIM
Classification: Pathogenic for GM1-GANGLIOSIDOSIS, TYPE I. Last evaluated: 1991-09-01. Review status: no assertion criteria provided. Collection method: literature only. Allele origin: germline. Not counted in ClinVar's aggregate classification.

Literature cited by the submitters: PubMed 33038107 (cited by Natera, Inc.); PubMed 18524657 (cited by Labcorp Genetics (formerly Invitae), Labcorp); PubMed 1909089 (cited by 3 submitters); PubMed 25936995 (cited by Labcorp Genetics (formerly Invitae), Labcorp); PubMed 28976722 (cited by Labcorp Genetics (formerly Invitae), Labcorp and Women's Health and Genetics/Laboratory Corporation of America, LabCorp); PubMed 30548430 (cited by Labcorp Genetics (formerly Invitae), Labcorp and Women's Health and Genetics/Laboratory Corporation of America, LabCorp); PubMed 17309651 (cited by Women's Health and Genetics/Laboratory Corporation of America, LabCorp and Counsyl); PubMed 26169295 (cited by Women's Health and Genetics/Laboratory Corporation of America, LabCorp); DOI 10.1016/j.gene.2015.04.078. (cited by Kasturba Medical College, Manipal, Kasturba Medical College, Manipal, Manipal Academy of Higher Education, Manipal, India); PubMed 21520340 (cited by Counsyl); Nishimoto, J., Nanba, E., Inui, K., Okada, S., Suzuki, K. GM1-gangliosidosis (genetic beta-galactosidase deficiency): identification of four mutations in different clinical phenotypes among Japanese patients. Am. J. Hum. Genet. 49: 566-574, 1991. (cited by OMIM).